The following is an entry in ClinVar:

NM_145199.3(LIPT1):c.244C>T (p.Gln82Ter)

Genes: LIPT1 (lipoyltransferase 1; plus strand), MITD1 (microtubule interacting and trafficking domain containing 1; minus strand). Cytogenetic location: 2q11.2.
Variant type: single nucleotide variant.
Coding change: c.244C>T on transcript NM_145199.3 (MANE Select); coding-DNA position 244, C replaced by T.
Protein change: p.Gln82Ter; replaces glutamine 82 with a stop codon.
Molecular consequence: nonsense. On other transcripts: non-coding transcript variant (2).
Genome position (GRCh38, 1-based): chr2:99,162,201, C>T. VCF-style: chr2-99162201-C-T. GRCh37 (hg19) VCF-style: chr2-99778664-C-T.
Other names: c.244C>T, p.Gln82Ter (NM_001204830.2, NM_015929.4, NM_145197.3 and 1 more transcripts); short protein forms Q82*.
Identifiers: ClinVar variation 3377019 (VCV003377019.1).
Genomic context (GRCh38, chr2:99,162,201, plus strand): 5'-ATTCTATTCTTTTGGCAGAATTCTCCCTCTGTTGTAATTGGTAGGCATCAAAATCCTTGG[C>T]AGGAATGTAACCTGAATCTAATGAGAGAAGAAGGTATAAAACTGGCTCGGAGAAGAAGTG-3'

ClinVar aggregate classification (germline): Likely pathogenic (1 of 4 stars; one submission).

Conditions:
Lipoyl transferase 1 deficiency. Also called: Lipoyltransferase 1 deficiency. Identifiers: Orphanet 401862, MedGen C4225379, MONDO:0014576, OMIM 616299.

gnomAD v4.1: 3 of 1,613,978 alleles (0.00019%); highest among the groups gnomAD compares: Middle Eastern, 0.016%; no homozygotes.

Submission:

Victorian Clinical Genetics Services, Murdoch Childrens Research Institute
Classification: Likely pathogenic for Lipoyl transferase 1 deficiency. Last evaluated: 2024-10-09. Review status: criteria provided, single submitter. Criteria: ACMG Guidelines, 2015. Collection method: clinical testing. Allele origin: germline. Inheritance: Autosomal recessive inheritance. Affected: yes.
Comment: Based on the classification scheme VCGS_Germline_v1.3.4, this variant is classified as Likely pathogenic. Following criteria are met: 0102 - Loss of function is a known mechanism of disease in this gene and is associated with lipoyltransferase 1 deficiency (MIM#616299). (I) 0106 - This gene is associated with autosomal recessive disease. (I) 0204 - Variant is predicted to result in a truncated protein (premature termination codon is NOT located at least 54 nucleotides upstream of the final exon-exon junction) with at least 1/3 of the protein sequence affected. (SP) 0251 - This variant is heterozygous. (I) 0301 - Variant is absent from gnomAD (both v2 and v3). (SP) 0604 - Variant is not located in an established domain, motif, hotspot or informative constraint region. (I) 0703 - Other downstream truncating variants comparable to the one identified in this case have moderate previous evidence for pathogenicity. Three downstream truncating variants have been classified as pathogenic or likely pathogenic by clinical laboratories in ClinVar and have been observed as compound heterozygous in individuals with lactic acidosis and LIPT1-related symptoms (PMIDs: 24341803, 31042466, 27247813, 38539105). Several other downstream truncating variants have also been classified as VUS by clinical laboratories in ClinVar. (SP) 0807 - This variant has no previous evidence of pathogenicity. (I) 0905 - No published segregation evidence has been identified for this variant. (I) 1007 - No published functional evidence has been identified for this variant. (I) Legend: (SP) - Supporting pathogenic, (I) - Information, (SB) - Supporting benign

Literature cited by the submitters: PubMed 24341803; PubMed 27247813; PubMed 31042466; PubMed 38539105.